The following is an entry in ClinVar:

NM_001084.5(PLOD3):c.498T>C (p.Ser166=)

Gene: PLOD3 (procollagen-lysine,2-oxoglutarate 5-dioxygenase 3; minus strand). Cytogenetic location: 7q22.1.
Variant type: single nucleotide variant.
Coding change: c.498T>C on transcript NM_001084.5 (MANE Select); coding-DNA position 498, T replaced by C.
Protein change: p.Ser166=; no amino-acid change (serine 166 retained).
Molecular consequence: synonymous variant.
Genome position (GRCh38, 1-based): chr7:101,216,167, A>G on the plus strand (T>C on the coding strand, the complement: PLOD3 is on the minus strand). VCF-style: chr7-101216167-A-G. GRCh37 (hg19) VCF-style: chr7-100859448-A-G.
Other names: c.498T>C (NM_001084.4).
Identifiers: ClinVar variation 1899646 (VCV001899646.8), dbSNP rs909145551, ClinGen allele CA163353990.
Genomic context (GRCh38, chr7:101,216,167, plus strand): 5'-AACACTCTGTGTCCCACCGCTCTTGGCCCCTCTGCCTTGGGCACTCTGCCACTCACCACC[A>G]GAATTGAGGAAGCGCTTCCCCGTGCCCACCTCAGGGTACTGCTCCGCCAGCCCCCACTCG-3'
Protein context (NP_001075.1, residues 156-176): EVGTGKRFLN[Ser166=]GGFIGFATTI

ClinVar aggregate classification (germline): Likely benign. Review status: criteria provided, multiple submitters, no conflicts (2 of 4 stars). 3 submissions from 3 submitters: Likely benign (2). 1 of the submissions does not count toward it. Last evaluated 2025-12-08.

Conditions:
PLOD3-related disorder. Also called: PLOD3-related condition.

Allele frequency attached by ClinVar (database versions not stated): gnomAD 0.00001; gnomAD exomes 0.00002.
gnomAD v4.1: 33 of 1,613,880 alleles (0.002%); highest among the groups gnomAD compares: Non-Finnish European, 0.0027%; no homozygotes.

Submissions (3):

Labcorp Genetics (formerly Invitae), Labcorp
Classification: Likely benign. Last evaluated: 2025-12-08. Review status: criteria provided, single submitter. Criteria: Invitae Variant Classification Sherloc (09022015). Collection method: clinical testing. Allele origin: germline.

Blueprint Genetics
Classification: Likely benign. Last evaluated: 2024-06-12. Review status: criteria provided, single submitter. Criteria: ACMG Guidelines, 2015. Collection method: clinical testing. Allele origin: germline.

PreventionGenetics, part of Exact Sciences
Classification: Likely benign for PLOD3-related condition. Last evaluated: 2019-03-13. Review status: no assertion criteria provided. Collection method: clinical testing. Allele origin: germline. Not counted in ClinVar's aggregate classification.
Comment: This variant is classified as likely benign based on ACMG/AMP sequence variant interpretation guidelines (Richards et al. 2015 PMID: 25741868, with internal and published modifications).